The following is an entry in ClinVar:

NM_005876.5(SPEG):c.6089G>A (p.Arg2030Gln)

Genes: ASIC4-AS1 (ASIC4 antisense RNA 1; minus strand), SPEG (striated muscle enriched protein kinase; plus strand). Cytogenetic location: 2q35.
Variant type: single nucleotide variant.
Coding change: c.6089G>A on transcript NM_005876.5 (MANE Select); coding-DNA position 6089, G replaced by A.
Protein change: p.Arg2030Gln; replaces arginine 2030 with glutamine.
Molecular consequence: missense variant.
Genome position (GRCh38, 1-based): chr2:219,483,552, G>A. VCF-style: chr2-219483552-G-A. GRCh37 (hg19) VCF-style: chr2-220348274-G-A.
Other names: short protein forms R2030Q.
Identifiers: ClinVar variation 1501898 (VCV001501898.6), dbSNP rs2125554007, ClinGen allele CA350696481.
Genomic context (GRCh38, chr2:219,483,552, plus strand): 5'-TCCGCAGGGGCAGCTCGGCTGAGAGCGCCCTGCCCCGGGCCGGGCCGCGGGAGCTGGGCC[G>A]GGGCCTGCACAAGGCGGCGTCTGTGGAGCTGCCGCAGCGCCGGAGCCCCAGCCCGGGAGC-3'
Protein context (NP_005867.3, residues 2020-2040): LPRAGPRELG[Arg2030Gln]GLHKAASVEL

ClinVar aggregate classification (germline): Uncertain significance (1 of 4 stars; one submission).

gnomAD v4.1: 2 of 1,421,428 alleles (0.00014%); highest among the groups gnomAD compares: Non-Finnish European, 0.000091%; no homozygotes.

Submission:

Labcorp Genetics (formerly Invitae), Labcorp
Classification: Uncertain significance. Last evaluated: 2021-11-17. Review status: criteria provided, single submitter. Criteria: Invitae Variant Classification Sherloc (09022015). Collection method: clinical testing. Allele origin: germline.
Comment: This sequence change replaces arginine, which is basic and polar, with glutamine, which is neutral and polar, at codon 2030 of the SPEG protein (p.Arg2030Gln). This variant is not present in population databases (gnomAD no frequency). This variant has not been reported in the literature in individuals affected with SPEG-related conditions. Algorithms developed to predict the effect of missense changes on protein structure and function are either unavailable or do not agree on the potential impact of this missense change (SIFT: "Deleterious"; PolyPhen-2: "Possibly Damaging"; Align-GVGD: "Class C0"). In summary, the available evidence is currently insufficient to determine the role of this variant in disease. Therefore, it has been classified as a Variant of Uncertain Significance.